The following is an entry in ClinVar:

ClinVar aggregate classification (germline): Uncertain significance (1 of 4 stars; one submission).

Conditions:
Gorlin syndrome. Also called: Basal cell nevus syndrome; Nevoid Basal Cell Carcinoma Syndrome. Identifiers: Orphanet 377, MedGen C0004779, MONDO:0007187.

Submission:

Labcorp Genetics (formerly Invitae), Labcorp
Classification: Uncertain significance for Gorlin syndrome. Last evaluated: 2023-12-09. Review status: criteria provided, single submitter. Criteria: Invitae Variant Classification Sherloc (09022015). Collection method: clinical testing. Allele origin: germline.
Comment: This sequence change replaces threonine, which is neutral and polar, with isoleucine, which is neutral and non-polar, at codon 1158 of the PTCH2 protein (p.Thr1158Ile). This variant is not present in population databases (gnomAD no frequency). This variant has not been reported in the literature in individuals affected with PTCH2-related conditions. An algorithm developed to predict the effect of missense changes on protein structure and function (PolyPhen-2) suggests that this variant is likely to be tolerated. In summary, the available evidence is currently insufficient to determine the role of this variant in disease. Therefore, it has been classified as a Variant of Uncertain Significance.

NM_003738.5(PTCH2):c.3473C>T (p.Thr1158Ile)

Gene: PTCH2 (patched 2; minus strand). Cytogenetic location: 1p34.1.
Variant type: single nucleotide variant.
Coding change: c.3473C>T on transcript NM_003738.5 (MANE Select); coding-DNA position 3473, C replaced by T.
Protein change: p.Thr1158Ile; replaces threonine 1158 with isoleucine.
Molecular consequence: missense variant. On other transcripts: intron variant (1).
Genome position (GRCh38, 1-based): chr1:44,822,554, G>A on the plus strand (C>T on the coding strand, the complement: PTCH2 is on the minus strand). VCF-style: chr1-44822554-G-A. GRCh37 (hg19) VCF-style: chr1-45288226-G-A.
Other names: c.3425+48C>T (NM_001166292.2); short protein forms T1158I.
Identifiers: ClinVar variation 2911098 (VCV002911098.3), dbSNP rs545773315, ClinGen allele CA340105540.